The following is an entry in ClinVar:

NM_001393769.1(MED12L):c.5002G>A (p.Asp1668Asn)

Gene: MED12L (mediator complex subunit 12L; plus strand). Cytogenetic location: 3q25.1.
Variant type: single nucleotide variant.
Coding change: c.5002G>A on transcript NM_001393769.1 (MANE Select); coding-DNA position 5002, G replaced by A.
Protein change: p.Asp1668Asn; replaces aspartic acid 1668 with asparagine.
Molecular consequence: missense variant.
Genome position (GRCh38, 1-based): chr3:151,385,105, G>A. VCF-style: chr3-151385105-G-A. GRCh37 (hg19) VCF-style: chr3-151102893-G-A.
Other names: c.4897G>A, p.Asp1633Asn (NM_053002.6); short protein forms D1633N, D1668N.
Identifiers: ClinVar variation 4976008 (VCV004976008.1).

ClinVar aggregate classification (germline): Uncertain significance (1 of 4 stars; one submission).

Submission:

GeneDx
Classification: Uncertain significance. Last evaluated: 2026-02-01. Review status: criteria provided, single submitter. Criteria: GeneDx Variant Classification Process June 2021. Collection method: clinical testing. Allele origin: germline.
Comment: Not observed at significant frequency in large population cohorts (gnomAD); In silico analysis supports that this missense variant has a deleterious effect on protein structure/function; Has not been previously published as pathogenic or benign to our knowledge